The following is an entry in ClinVar:

ClinVar aggregate classification (germline): Uncertain significance (1 of 4 stars; one submission).

Allele frequency attached by ClinVar (database versions not stated): gnomAD exomes below 0.00001.
gnomAD v4.1: 2 of 1,590,890 alleles (0.00013%); highest among the groups gnomAD compares: Non-Finnish European, 0.00017%; no homozygotes.

Submission:

Ambry Genetics
Classification: Uncertain significance. Last evaluated: 2021-07-25. Review status: criteria provided, single submitter. Criteria: Ambry Variant Classification Scheme 2023. Collection method: clinical testing. Allele origin: germline.
Comment: The p.R157G variant (also known as c.469A>G), located in coding exon 6 of the BUB1 gene, results from an A to G substitution at nucleotide position 469. The arginine at codon 157 is replaced by glycine, an amino acid with dissimilar properties. This amino acid position is conserved. In addition, this alteration is predicted to be tolerated by in silico analysis. Since supporting evidence is limited at this time, the clinical significance of this alteration remains unclear.

NM_004336.5(BUB1):c.469A>G (p.Arg157Gly)

Gene: BUB1 (BUB1 mitotic checkpoint serine/threonine kinase; minus strand). Cytogenetic location: 2q13.
Variant type: single nucleotide variant.
Coding change: c.469A>G on transcript NM_004336.5 (MANE Select); coding-DNA position 469, A replaced by G.
Protein change: p.Arg157Gly; replaces arginine 157 with glycine.
Molecular consequence: missense variant.
Genome position (GRCh38, 1-based): chr2:110,669,551, T>C on the plus strand (A>G on the coding strand, the complement: BUB1 is on the minus strand). VCF-style: chr2-110669551-T-C. GRCh37 (hg19) VCF-style: chr2-111427128-T-C.
Other names: c.409A>G, p.Arg137Gly (NM_001278616.2); c.469A>G, p.Arg157Gly (NM_001278617.2); short protein forms R157G, R137G.
Identifiers: ClinVar variation 1742510 (VCV001742510.2), dbSNP rs2468031081, ClinGen allele CA348219407.